The following is an entry in ClinVar:

ClinVar aggregate classification (germline): Likely benign. Review status: criteria provided, multiple submitters, no conflicts (2 of 4 stars). 2 submissions from 2 submitters: Likely benign (2). Last evaluated 2025-02-03.

Conditions:
Lynch syndrome 4 (LYNCH4). Also called: Colorectal cancer, hereditary nonpolyposis, type 4; Hereditary non-polyposis colorectal cancer, type 4. Identifiers: Orphanet 144, MedGen C1838333, MONDO:0013699, OMIM 614337. Disease mechanism: loss of function.
Hereditary nonpolyposis colorectal neoplasms. Identifiers: MedGen C0009405, MeSH D003123.

Submissions (2):

Myriad Genetics, Inc.
Classification: Likely benign for Lynch syndrome 4. Last evaluated: 2025-02-03. Review status: criteria provided, single submitter. Criteria: Myriad Autosomal Dominant, Autosomal Recessive and X-Linked Classification Criteria (2023). Collection method: clinical testing. Allele origin: unknown.
Comment: This variant is considered likely benign. This variant is intronic and is not expected to impact mRNA splicing.

Labcorp Genetics (formerly Invitae), Labcorp
Classification: Likely benign for Hereditary nonpolyposis colorectal neoplasms. Last evaluated: 2023-06-11. Review status: criteria provided, single submitter. Criteria: Invitae Variant Classification Sherloc (09022015). Collection method: clinical testing. Allele origin: germline.

NM_000535.7(PMS2):c.2007-18A>T

Gene: PMS2 (PMS1 homolog 2, mismatch repair system component; minus strand). Cytogenetic location: 7p22.1.
Variant type: single nucleotide variant.
Coding change: c.2007-18A>T on transcript NM_000535.7 (MANE Select); 18 bases into the intron before coding-DNA position 2007, A replaced by T.
Molecular consequence: intron variant.
Genome position (GRCh38, 1-based): chr7:5,983,009, T>A on the plus strand (A>T on the coding strand, the complement: PMS2 is on the minus strand). VCF-style: chr7-5983009-T-A. GRCh37 (hg19) VCF-style: chr7-6022640-T-A.
Other names: c.1689-18A>T (NM_001322008.2, NM_001406883.1, NM_001322007.2 and 1 more transcripts); c.1698-18A>T (NM_001406881.1, NM_001406879.1, NM_001322015.2 and 5 more transcripts); c.1602-18A>T (NM_001406895.1, NM_001322004.2, NM_001406889.1 and 14 more transcripts); c.1236-18A>T (NM_001406911.1); c.1446-18A>T (NM_001322010.2, NM_001406906.1, NM_001406907.1); c.1533-18A>T (NM_001406902.1, NM_001406901.1); c.1494-18A>T (NM_001406904.1, NM_001406905.1); c.1434-18A>T (NM_001322013.2, NM_001406909.1); and 16 more.
Identifiers: ClinVar variation 2963877 (VCV002963877.4), dbSNP rs2535558398, ClinGen allele CA2681676559.